The following is an entry in ClinVar:

NM_001374828.1(ARID1B):c.906_934del (p.Gly303fs)

Genes: ARID1B (AT-rich interaction domain 1B; plus strand), LOC129997525 (ATAC-STARR-seq lymphoblastoid silent region 17712; plus strand). Cytogenetic location: 6q25.3.
Variant type: Deletion.
Coding change: c.906_934del on transcript NM_001374828.1 (MANE Select); coding-DNA positions 906 to 934, 29 bases deleted (GGGCGGCGGCGGCCCGGCGGCCGTCCCGG).
Protein change: p.Gly303fs; shifts the reading frame from glycine 303.
Molecular consequence: frameshift variant.
Genome position (GRCh38, 1-based): chr6:156,778,586-156,778,614, GGGCGGCGGCGGCCCGGCGGCCGTCCCGG deleted; deleting any 29 consecutive bases within chr6:156,778,581-156,778,614 gives the same sequence; the c. name uses the placement nearest the transcript's 3' end. VCF-style (leftmost placement, unchanged base first): chr6-156778580-GCCCGGGGGCGGCGGCGGCCCGGCGGCCGT-G. GRCh37 (hg19) VCF-style: chr6-157099714-GCCCGGGGGCGGCGGCGGCCCGGCGGCCGT-G.
Other names: c.657_685del29 (NM_020732.3); c.906_934del, p.Gly303fs (NM_001371656.1, NM_001374820.1, NM_001438482.1 and 9 more transcripts); short protein forms G303fs.
Identifiers: ClinVar variation 4996722 (VCV004996722.1).

ClinVar aggregate classification (germline): Likely pathogenic (1 of 4 stars; one submission).

Conditions:
ARID1B-Related Disorder. Identifiers: MedGen CN381337.

Submission:

PreventionGenetics, part of Exact Sciences
Classification: Likely pathogenic for ARID1B-related condition. Last evaluated: 2025-03-28. Review status: criteria provided, single submitter. Criteria: ACMG Guidelines, 2015. Collection method: clinical testing. Allele origin: germline.
Comment: The ARID1B c.657_685del29 variant is predicted to result in a frameshift and premature protein termination (p.Gly220Valfs*2). In other transcripts for example, NM_001374820.1 and NM_001374828.1, this variant can be described as ARID1B c.906_934del (p.Gly303Valfs*2). Only one truncating variant in the 5' region of this variant has been reported in the patient with Coffin-Siris syndrome (described as NM_020732.3:c.521dup, p.Pro177fs*55 in van der Sluijs et al. 2021. PubMed ID: 34440449), however, other two truncating variants on or near the start codon were classified as uncertain significance based on their experimental results. In ClinVar database, few truncating variants in the 5' region of this variant were interpreted as pathogenic or likely pathogenic recently (for example, ClinVar IDs: 3340656, 2434978). Of note, a methionine codon is downstream of this variant and as such it could be used as an alternative translation start codon to rescue part of the protein (van der Sluijs et al. 2021. PubMed ID: 34440449). To our knowledge, this variant has not been reported in the literature or in a large population database (gnomAD), indicating this variant is rare. Sufficient evidence for haploinsufficiency in ARID1B has been demonstrated to be pathogenic in ClinGen, but loss-of-function variants in some regions in ARID1B may not lead to haploinsufficiency (van der Sluijs et al. 2021. PubMed ID: 34440449). Although frameshift variants in ARID1B are expected to be pathogenic, this variant is interpreted as likely pathogenic with caution.